The following is an entry in ClinVar:

NM_001110556.2(FLNA):c.5143C>T (p.Pro1715Ser)

Gene: FLNA (filamin A; minus strand). Cytogenetic location: Xq28.
Variant type: single nucleotide variant.
Coding change: c.5143C>T on transcript NM_001110556.2 (MANE Select); coding-DNA position 5143, C replaced by T.
Protein change: p.Pro1715Ser; replaces proline 1715 with serine.
Molecular consequence: missense variant.
Genome position (GRCh38, 1-based): chrX:154,354,899, G>A on the plus strand (C>T on the coding strand, the complement: FLNA is on the minus strand). VCF-style: chrX-154354899-G-A. GRCh37 (hg19) VCF-style: chrX-153583267-G-A.
Other names: c.5119C>T, p.Pro1707Ser (NM_001456.4); short protein forms P1707S, P1715S.
Identifiers: ClinVar variation 1699327 (VCV001699327.4), dbSNP rs2148107445, ClinGen allele CA415207603.

ClinVar aggregate classification (germline): Uncertain significance (1 of 4 stars; one submission).

Conditions:
FG syndrome 2 (FGS2). Identifiers: MedGen C1845902, MONDO:0010297, OMIM 300321.

Submission:

Victorian Clinical Genetics Services, Murdoch Childrens Research Institute
Classification: Uncertain significance for FG syndrome 2. Last evaluated: 2022-02-02. Review status: criteria provided, single submitter. Criteria: ACMG Guidelines, 2015. Collection method: clinical testing. Allele origin: germline.
Comment: Based on the classification scheme VCGS_Germline_v1.3.4, this variant is classified as VUS-3B. Following criteria are met: 0103 - Loss of function and gain of function are known mechanisms of disease in this gene. Loss of function is the mechanism of truncating or distal truncating, hypomorphic missense or mosaic variants which cause periventricular nodular heterotopia, X-linked cardiac valvular dystrophy and gastrointestinal diseases. Whereas, gain of function is the mechanism of most missense variants and small in-frame deletions cluster in ABD and filamin repeats 3, 10 and 14/15 domains that lead to Oto-palato-digital spectrum of disease. Lastly, X-linked cardiac valvular dystrophy is caused by mostly missense or splice in filamin repeats 1, 4, 5, 6 and 7 (PMID:30089473). (I) 0109 - This gene is associated with X-linked recessive disease. (I) 0200 - Variant is predicted to result in a missense amino acid change from proline to serine. (I) 0253 - This variant is hemizygous. (I) 0301 - Variant is absent from gnomAD (both v2 and v3). (SP) 0502 - Missense variant with conflicting in silico predictions and uninformative conservation. (I) 0600 - Variant is located in the annotated filamin repeat (NCBI, DECIPHER, Uniprot). (I) 0705 - No comparable missense variants have previous evidence for pathogenicity. (I) 0807 - This variant has no previous evidence of pathogenicity. (I) 0905 - No published segregation evidence has been identified for this variant. (I) 1007 - No published functional evidence has been identified for this variant. (I) Legend: (SP) - Supporting pathogenic, (I) - Information, (SB) - Supporting benign

Literature cited by the submitters: PubMed 30089473.